The following is an entry in ClinVar:

NM_002941.4(ROBO1):c.1394C>T (p.Thr465Ile)

Gene: ROBO1 (roundabout guidance receptor 1; minus strand). Cytogenetic location: 3p12.3.
Variant type: single nucleotide variant.
Coding change: c.1394C>T on transcript NM_002941.4 (MANE Select); coding-DNA position 1394, C replaced by T.
Protein change: p.Thr465Ile; replaces threonine 465 with isoleucine.
Molecular consequence: missense variant.
Genome position (GRCh38, 1-based): chr3:78,670,250, G>A on the plus strand (C>T on the coding strand, the complement: ROBO1 is on the minus strand). VCF-style: chr3-78670250-G-A. GRCh37 (hg19) VCF-style: chr3-78719400-G-A.
Other names: c.1286C>T, p.Thr429Ile (NM_001145845.2, NM_133631.4); short protein forms T429I, T465I.
Identifiers: ClinVar variation 4703669 (VCV004703669.1).

ClinVar aggregate classification (germline): Uncertain significance (1 of 4 stars; one submission).

gnomAD v4.1: 79 of 1,592,148 alleles (0.005%); highest among the groups gnomAD compares: South Asian, 0.069%; 2 homozygotes.

Submission:

Labcorp Genetics (formerly Invitae), Labcorp
Classification: Uncertain significance. Last evaluated: 2025-12-09. Review status: criteria provided, single submitter. Criteria: Invitae Variant Classification Sherloc (09022015). Collection method: clinical testing. Allele origin: germline.
Comment: This sequence change replaces threonine, which is neutral and polar, with isoleucine, which is neutral and non-polar, at codon 465 of the ROBO1 protein (p.Thr465Ile). This variant is present in population databases (rs576393729, gnomAD 0.05%). This variant has not been reported in the literature in individuals affected with ROBO1-related conditions. An algorithm developed to predict the effect of missense changes on protein structure and function (PolyPhen-2) suggests that this variant is likely to be disruptive. In summary, the available evidence is currently insufficient to determine the role of this variant in disease. Therefore, it has been classified as a Variant of Uncertain Significance.